The following is an entry in ClinVar:

NM_001079802.2(FKTN):c.659A>G (p.Gln220Arg)

Gene: FKTN (fukutin; plus strand). Cytogenetic location: 9q31.2.
Variant type: single nucleotide variant.
Coding change: c.659A>G on transcript NM_001079802.2 (MANE Select); coding-DNA position 659, A replaced by G.
Protein change: p.Gln220Arg; replaces glutamine 220 with arginine.
Molecular consequence: missense variant. On other transcripts: non-coding transcript variant (2).
Genome position (GRCh38, 1-based): chr9:105,607,830, A>G. VCF-style: chr9-105607830-A-G. GRCh37 (hg19) VCF-style: chr9-108370111-A-G.
Other names: c.659A>G, p.Gln220Arg (NM_001198963.2, NM_001351496.2, NM_001351498.2 and 1 more transcripts); c.590A>G, p.Gln197Arg (NM_001351497.2); c.263A>G, p.Gln88Arg (NM_001351499.2, NM_001351500.2, NM_001351501.2 and 1 more transcripts); short protein forms Q197R, Q220R, Q88R.
Identifiers: ClinVar variation 2823675 (VCV002823675.3), dbSNP rs2539490808, ClinGen allele CA374332482.
Genomic context (GRCh38, chr9:105,607,830, plus strand): 5'-TCCCTGTTTCCCCCACCCCTCATTAATAAATCTTAACTTTTGTTTTCAGGCCAGAGTTAC[A>G]GCAAGTTACTGTTGATGGACTGGAAGTTCTCATTCCAAAGGATCCAATGCACTTTGTAGA-3'
Protein context (NP_001073270.1, residues 210-230): YPGAFDRPEL[Gln220Arg]QVTVDGLEVL

ClinVar aggregate classification (germline): Uncertain significance (1 of 4 stars; one submission).

Conditions:
Walker-Warburg congenital muscular dystrophy. Also called: Muscular dystrophy-dystroglycanopathy, type A; Walker-Warburg syndrome. Identifiers: Orphanet 899, MedGen C0265221, MONDO:0000171.

Submission:

Labcorp Genetics (formerly Invitae), Labcorp
Classification: Uncertain significance for Walker-Warburg congenital muscular dystrophy. Last evaluated: 2024-04-10. Review status: criteria provided, single submitter. Criteria: Invitae Variant Classification Sherloc (09022015). Collection method: clinical testing. Allele origin: germline.
Comment: This sequence change replaces glutamine, which is neutral and polar, with arginine, which is basic and polar, at codon 220 of the FKTN protein (p.Gln220Arg). This variant is not present in population databases (gnomAD no frequency). This variant has not been reported in the literature in individuals affected with FKTN-related conditions. Advanced modeling of protein sequence and biophysical properties (such as structural, functional, and spatial information, amino acid conservation, physicochemical variation, residue mobility, and thermodynamic stability) performed at Invitae indicates that this missense variant is not expected to disrupt FKTN protein function with a negative predictive value of 80%. In summary, the available evidence is currently insufficient to determine the role of this variant in disease. Therefore, it has been classified as a Variant of Uncertain Significance.